The following is an entry in ClinVar:

NM_002471.4(MYH6):c.2520G>A (p.Pro840=)

Gene: MYH6 (myosin heavy chain 6; minus strand). Cytogenetic location: 14q11.2.
Variant type: single nucleotide variant.
Coding change: c.2520G>A on transcript NM_002471.4 (MANE Select); coding-DNA position 2520, G replaced by A.
Protein change: p.Pro840=; no amino-acid change (proline 840 retained).
Molecular consequence: synonymous variant.
Genome position (GRCh38, 1-based): chr14:23,394,233, C>T on the plus strand (G>A on the coding strand, the complement: MYH6 is on the minus strand). VCF-style: chr14-23394233-C-T. GRCh37 (hg19) VCF-style: chr14-23863442-C-T.
Identifiers: ClinVar variation 470515 (VCV000470515.17), dbSNP rs141945051, ClinGen allele CA7115444.

ClinVar aggregate classification (germline): Benign/Likely benign. Review status: criteria provided, multiple submitters, no conflicts (2 of 4 stars). 7 submissions from 7 submitters: Benign (1); Likely benign (6). Last evaluated 2026-01-06.

Conditions:
MYH6-related disorder. Also called: MYH6-Related Disorders; MYH6-related condition.
Cardiovascular phenotype. Identifiers: MedGen CN230736.
Hypertrophic cardiomyopathy 14. Identifiers: MedGen C2750467, MONDO:0013197, OMIM 613251.

Allele frequency attached by ClinVar (database versions not stated): TOPMed 0.00007; gnomAD 0.00009; ESP Exome Variant Server 0.00015.
gnomAD v4.1: 101 of 1,614,106 alleles (0.0063%); highest among the groups gnomAD compares: Non-Finnish European, 0.0076%; no homozygotes.

Submissions (7):

Labcorp Genetics (formerly Invitae), Labcorp
Classification: Likely benign for Hypertrophic cardiomyopathy 14. Last evaluated: 2026-01-06. Review status: criteria provided, single submitter. Criteria: Invitae Variant Classification Sherloc (09022015). Collection method: clinical testing. Allele origin: germline.

PreventionGenetics, part of Exact Sciences
Classification: Likely benign for MYH6-related condition. Last evaluated: 2025-07-22. Review status: criteria provided, single submitter. Criteria: ACMG Guidelines, 2015. Collection method: clinical testing. Allele origin: germline.
Comment: This variant is classified as likely benign based on ACMG/AMP sequence variant interpretation guidelines (Richards et al. 2015 PMID: 25741868, with internal and published modifications).

Laboratory of Genetics, Children's Clinical University Hospital Latvia
Classification: Likely benign. Last evaluated: 2025-02-16. Review status: criteria provided, single submitter. Criteria: ACMG Guidelines, 2015. Collection method: clinical testing. Allele origin: germline. Affected: yes.

Blueprint Genetics
Classification: Likely benign. Last evaluated: 2024-09-18. Review status: criteria provided, single submitter. Criteria: ACMG Guidelines, 2015. Collection method: clinical testing. Allele origin: germline.

Ambry Genetics
Classification: Likely benign for Cardiovascular phenotype. Last evaluated: 2020-05-28. Review status: criteria provided, single submitter. Criteria: Ambry Variant Classification Scheme 2023. Collection method: clinical testing. Allele origin: germline.

Women's Health and Genetics/Laboratory Corporation of America, LabCorp
Classification: Benign. Last evaluated: 2019-03-18. Review status: criteria provided, single submitter. Criteria: LabCorp Variant Classification Summary - May 2015. Collection method: clinical testing. Allele origin: germline.
Comment: Variant summary: MYH6 c.2520G>A alters a non-conserved nucleotide resulting in a synonymous change. 5/5 computational tools predict no significant impact on normal splicing. However, these predictions have yet to be confirmed by functional studies. The variant allele was found at a frequency of 0.00015 in 277210 control chromosomes, predominantly at a frequency of 0.00032 within the Non-Finnish European subpopulation in the gnomAD database. The observed variant frequency within Non-Finnish European control individuals in the gnomAD database is approximately 13-folds higher than the estimated maximal expected allele frequency for a pathogenic variant in MYH6 causing Cardiomyopathy phenotype (2.5e-05), strongly suggesting that the variant is a benign polymorphism found primarily in populations of Non-Finnish European origin. To our knowledge, no occurrence of c.2520G>A in individuals affected with Cardiomyopathy and no experimental evidence demonstrating its impact on protein function have been reported. Two ClinVar submissions from clinical diagnostic laboratories (evaluation after 2014) cite the variant as likely benign. Based on the evidence outlined above, the variant was classified as benign.

GeneDx
Classification: Likely benign. Last evaluated: 2017-06-12. Review status: criteria provided, single submitter. Criteria: GeneDx Variant Classification (06012015). Collection method: clinical testing. Allele origin: germline. Affected: yes.
Comment: This variant is considered likely benign or benign based on one or more of the following criteria: it is a conservative change, it occurs at a poorly conserved position in the protein, it is predicted to be benign by multiple in silico algorithms, and/or has population frequency not consistent with disease.